The following is an entry in ClinVar:

NM_006506.5(RASA2):c.248T>G (p.Leu83Ter)

Gene: RASA2 (RAS p21 protein activator 2; plus strand). Cytogenetic location: 3q23.
Variant type: single nucleotide variant.
Coding change: c.248T>G on transcript NM_006506.5 (MANE Select); coding-DNA position 248, T replaced by G.
Protein change: p.Leu83Ter; replaces leucine 83 with a stop codon.
Molecular consequence: nonsense.
Genome position (GRCh38, 1-based): chr3:141,512,277, T>G. VCF-style: chr3-141512277-T-G. GRCh37 (hg19) VCF-style: chr3-141231119-T-G.
Other names: c.248T>G, p.Leu83Ter (NM_001303245.3, NM_001303246.3); short protein forms L83*.
Identifiers: ClinVar variation 2627326 (VCV002627326.4), dbSNP rs763791807, ClinGen allele CA354779664.

ClinVar aggregate classification (germline): Uncertain significance. Review status: criteria provided, multiple submitters, no conflicts (2 of 4 stars). 2 submissions from 2 submitters: Uncertain significance (2). Last evaluated 2023-09-26.

gnomAD v4.1: 1 of 1,565,164 alleles (0.000064%); highest among the groups gnomAD compares: South Asian, 0.0012%; no homozygotes.

Submissions (2):

Women's Health and Genetics/Laboratory Corporation of America, LabCorp
Classification: Uncertain significance. Last evaluated: 2023-09-26. Review status: criteria provided, single submitter. Criteria: LabCorp Variant Classification Summary - May 2015. Collection method: clinical testing. Allele origin: germline.
Comment: Variant summary: RASA2 c.248T>G (p.Leu83X) results in a premature termination codon, predicted to cause a truncation of the encoded protein or absence of the protein due to nonsense mediated decay, however the molecular mechanism of disease attributed to RASA2 is gain-of-function. The variant was absent in 224906 control chromosomes (gnomAD). The available data on variant occurrences in the general population are insufficient to allow any conclusion about variant significance. To our knowledge, no occurrence of c.248T>G in individuals affected with Noonan Syndrome and no experimental evidence demonstrating its impact on protein function have been reported. No submitters have cited clinical-significance assessments for this variant to ClinVar after 2014. Based on the evidence outlined above, the variant was classified as uncertain significance.

Labcorp Genetics (formerly Invitae), Labcorp
Classification: Uncertain significance. Last evaluated: 2023-07-14. Review status: criteria provided, single submitter. Criteria: Invitae Variant Classification Sherloc (09022015). Collection method: clinical testing. Allele origin: germline.
Comment: In summary, the available evidence is currently insufficient to determine the role of this variant in disease. Therefore, it has been classified as a Variant of Uncertain Significance. This variant has not been reported in the literature in individuals affected with RASA2-related conditions. This variant is not present in population databases (gnomAD no frequency). This sequence change creates a premature translational stop signal (p.Leu83*) in the RASA2 gene. It is expected to result in an absent or disrupted protein product. However, the current clinical and genetic evidence is not sufficient to establish whether loss-of-function variants in RASA2 cause disease.